The following is an entry in ClinVar:

NM_000094.4(COL7A1):c.5394del (p.Ala1799fs)

Genes: COL7A1 (collagen type VII alpha 1 chain; minus strand), MIR711 (microRNA 711; minus strand). Cytogenetic location: 3p21.31.
Variant type: Deletion.
Coding change: c.5394del on transcript NM_000094.4 (MANE Select); coding-DNA position 5394, one base deleted (T; older notation c.5394delT).
Protein change: p.Ala1799fs; shifts the reading frame from alanine 1799.
Molecular consequence: frameshift variant. On other transcripts: non-coding transcript variant (1).
Genome position (GRCh38, 1-based): chr3:48,578,949, A deleted on the plus strand (T on the coding strand, the reverse complement: COL7A1 is on the minus strand). VCF-style (leftmost placement, unchanged base first): chr3-48578948-CA-C. GRCh37 (hg19) VCF-style: chr3-48616381-CA-C.
Other names: short protein forms A1799fs.
Identifiers: ClinVar variation 1445669 (VCV001445669.6), dbSNP rs2107694864, ClinGen allele CA2573137022.

ClinVar aggregate classification (germline): Pathogenic (1 of 4 stars; one submission).

Submission:

Labcorp Genetics (formerly Invitae), Labcorp
Classification: Pathogenic. Last evaluated: 2021-07-26. Review status: criteria provided, single submitter. Criteria: Invitae Variant Classification Sherloc (09022015). Collection method: clinical testing. Allele origin: germline.
Comment: For these reasons, this variant has been classified as Pathogenic. This variant has not been reported in the literature in individuals affected with COL7A1-related conditions. This variant is not present in population databases (ExAC no frequency). This sequence change creates a premature translational stop signal (p.Ala1799Glnfs*42) in the COL7A1 gene. It is expected to result in an absent or disrupted protein product. Loss-of-function variants in COL7A1 are known to be pathogenic (PMID: 16971478).

Literature cited by the submitters: PubMed 16971478.